The following is an entry in ClinVar:

ClinVar aggregate classification (germline): Uncertain significance (1 of 4 stars; one submission).

Conditions:
Congenital neutropenia-myelofibrosis-nephromegaly syndrome. Also called: Severe congenital neutropenia 5, autosomal recessive. Identifiers: Orphanet 369852, MedGen C3809031, MONDO:0014118, OMIM 615285.

Submission:

Labcorp Genetics (formerly Invitae), Labcorp
Classification: Uncertain significance for Congenital neutropenia-myelofibrosis-nephromegaly syndrome. Last evaluated: 2024-06-19. Review status: criteria provided, single submitter. Criteria: Invitae Variant Classification Sherloc (09022015). Collection method: clinical testing. Allele origin: germline.
Comment: This sequence change falls in intron 9 of the VPS45 gene. It does not directly change the encoded amino acid sequence of the VPS45 protein. It affects a nucleotide within the consensus splice site. This variant is not present in population databases (gnomAD no frequency). This variant has not been reported in the literature in individuals affected with VPS45-related conditions. Variants that disrupt the consensus splice site are a relatively common cause of aberrant splicing (PMID: 17576681, 9536098). Algorithms developed to predict the effect of sequence changes on RNA splicing suggest that this variant is not likely to affect RNA splicing. In summary, the available evidence is currently insufficient to determine the role of this variant in disease. Therefore, it has been classified as a Variant of Uncertain Significance.

Literature cited by the submitters: PubMed 17576681; PubMed 9536098.

NM_007259.5(VPS45):c.936+5A>G

Gene: VPS45 (vacuolar protein sorting 45 homolog; plus strand). Cytogenetic location: 1q21.2.
Variant type: single nucleotide variant.
Coding change: c.936+5A>G on transcript NM_007259.5 (MANE Select); 5 bases into the intron after coding-DNA position 936, A replaced by G.
Molecular consequence: intron variant.
Genome position (GRCh38, 1-based): chr1:150,082,002, A>G. VCF-style: chr1-150082002-A-G. GRCh37 (hg19) VCF-style: chr1-150054084-A-G.
Other names: c.621+5A>G (NM_001279353.2); c.828+5A>G (NM_001279354.2).
Identifiers: ClinVar variation 3608115 (VCV003608115.2).